The following is an entry in ClinVar:

NM_000384.3(APOB):c.5705C>T (p.Pro1902Leu)

Gene: APOB (apolipoprotein B; minus strand). Cytogenetic location: 2p24.1.
Variant type: single nucleotide variant.
Coding change: c.5705C>T on transcript NM_000384.3 (MANE Select); coding-DNA position 5705, C replaced by T.
Protein change: p.Pro1902Leu; replaces proline 1902 with leucine.
Molecular consequence: missense variant.
Genome position (GRCh38, 1-based): chr2:21,011,163, G>A on the plus strand (C>T on the coding strand, the complement: APOB is on the minus strand). VCF-style: chr2-21011163-G-A. GRCh37 (hg19) VCF-style: chr2-21234035-G-A.
Other names: c.5705C>T (NM_000384.2); short protein forms P1902L.
Identifiers: ClinVar variation 1000350 (VCV001000350.8), dbSNP rs368848646, ClinGen allele CA062367.

ClinVar aggregate classification (germline): Uncertain significance. Review status: criteria provided, multiple submitters, no conflicts (2 of 4 stars). 4 submissions from 4 submitters: Uncertain significance (4). Last evaluated 2025-01-24.

Conditions:
APOB-related disorder. Also called: APOB-related condition; APOB-related disorders.
Familial hypobetalipoproteinemia 1. Also called: APOB-Related Familial Hypobetalipoproteinemia; Hypobetalipoproteinemia, normotriglyceridemic; Acanthocytosis with hypobetalipoproteinemia. Identifiers: MedGen C4551990, MONDO:0014252, OMIM 615558.
Hypercholesterolemia, autosomal dominant, type B (FHCL2). Also called: APOLIPOPROTEIN B-100, FAMILIAL DEFECTIVE; APOLIPOPROTEIN B-100, FAMILIAL LIGAND-DEFECTIVE; HYPERCHOLESTEROLEMIA, FAMILIAL, DUE TO LIGAND-DEFECTIVE APOLIPOPROTEIN B; Hyperlipoproteinemia Type IIb; Familial hypercholesterolemia 2; Familial Hypercholesterolemia Type B. Identifiers: MedGen C1704417, MONDO:0007751, OMIM 144010.
Cardiovascular phenotype. Identifiers: MedGen CN230736.

Allele frequency attached by ClinVar (database versions not stated): gnomAD exomes 0.00001 and 0.00002; ExAC 0.00002; gnomAD 0.00004; TOPMed 0.00004; ESP Exome Variant Server 0.00008.
gnomAD v4.1: 12 of 1,614,056 alleles (0.00074%); highest among the groups gnomAD compares: Admixed American, 0.012%; no homozygotes.

Submissions (4):

Quest Diagnostics Nichols Institute San Juan Capistrano
Classification: Uncertain significance. Last evaluated: 2025-01-24. Review status: criteria provided, single submitter. Criteria: Quest Diagnostics criteria. Collection method: clinical testing. Allele origin: unknown.
Comment: APOB c.5705C>T (p.Pro1902Leu) variant has not been reported in individuals with APOB-related conditions in the published literature. The frequency of this variant in the general population (Genome Aggregation Database) is uninformative in the assessment of its pathogenicity. Analysis of this variant using bioinformatics tools for the prediction of the effect of amino acid changes on protein structure and function yielded predictions that this variant is damaging. Based on the available information, we are unable to determine the clinical significance of this variant.

PreventionGenetics, part of Exact Sciences
Classification: Uncertain significance for APOB-related condition. Last evaluated: 2023-07-27. Review status: criteria provided, single submitter. Criteria: ACMG Guidelines, 2015. Collection method: clinical testing. Allele origin: germline.
Comment: The APOB c.5705C>T variant is predicted to result in the amino acid substitution p.Pro1902Leu. To our knowledge, this variant has not been reported in the literature. This variant is reported in 0.0087% of alleles in individuals of Latino descent in gnomAD. At this time, the clinical significance of this variant is uncertain due to the absence of conclusive functional and genetic evidence.

Ambry Genetics
Classification: Uncertain significance for Cardiovascular phenotype. Last evaluated: 2023-03-01. Review status: criteria provided, single submitter. Criteria: Ambry Variant Classification Scheme 2023. Collection method: clinical testing. Allele origin: germline.

Labcorp Genetics (formerly Invitae), Labcorp
Classification: Uncertain significance for Familial hypobetalipoproteinemia 1; Hypercholesterolemia, autosomal dominant, type B. Last evaluated: 2021-09-01. Review status: criteria provided, single submitter. Criteria: Invitae Variant Classification Sherloc (09022015). Collection method: clinical testing. Allele origin: germline.
Comment: This sequence change replaces proline with leucine at codon 1902 of the APOB protein (p.Pro1902Leu). The proline residue is highly conserved and there is a moderate physicochemical difference between proline and leucine. This variant is present in population databases (rs368848646, ExAC 0.01%). This variant has not been reported in the literature in individuals affected with APOB-related conditions. Algorithms developed to predict the effect of missense changes on protein structure and function are either unavailable or do not agree on the potential impact of this missense change (SIFT: "Deleterious"; PolyPhen-2: "Probably Damaging"; Align-GVGD: "Class C0"). In summary, the available evidence is currently insufficient to determine the role of this variant in disease. Therefore, it has been classified as a Variant of Uncertain Significance.